The following is an entry in ClinVar:

NM_212482.4(FN1):c.2805C>T (p.Thr935=)

Gene: FN1 (fibronectin 1; minus strand). Cytogenetic location: 2q35.
Variant type: single nucleotide variant.
Coding change: c.2805C>T on transcript NM_212482.4 (MANE Select); coding-DNA position 2805, C replaced by T.
Protein change: p.Thr935=; no amino-acid change (threonine 935 retained).
Molecular consequence: synonymous variant.
Genome position (GRCh38, 1-based): chr2:215,406,419, G>A on the plus strand (C>T on the coding strand, the complement: FN1 is on the minus strand). VCF-style: chr2-215406419-G-A. GRCh37 (hg19) VCF-style: chr2-216271142-G-A.
Other names: c.2805C>T (NM_212482.2); c.2805C>T, p.Thr935= (NM_001306129.2, NM_001306130.2, NM_001306131.2 and 13 more transcripts).
Identifiers: ClinVar variation 1674377 (VCV001674377.10), dbSNP rs372105692, ClinGen allele CA2094869.

ClinVar aggregate classification (germline): Likely benign. Review status: criteria provided, single submitter (1 of 4 stars). 2 submissions from 2 submitters: Likely benign (1). 1 of the submissions does not count toward it. Last evaluated 2025-03-10.

Conditions:
FN1-related disorder. Also called: FN1-related condition.

Allele frequency attached by ClinVar (database versions not stated): ExAC 0.00001; gnomAD exomes 0.00002; gnomAD 0.00003; TOPMed 0.00004; 1000 Genomes Project 30x 0.00016; 1000 Genomes Project 0.00020.
gnomAD v4.1: 33 of 1,614,122 alleles (0.002%); highest among the groups gnomAD compares: African/African-American, 0.0053%; no homozygotes.

Submissions (2):

Labcorp Genetics (formerly Invitae), Labcorp
Classification: Likely benign. Last evaluated: 2025-03-10. Review status: criteria provided, single submitter. Criteria: Invitae Variant Classification Sherloc (09022015). Collection method: clinical testing. Allele origin: germline.

PreventionGenetics, part of Exact Sciences
Classification: Likely benign for FN1-related condition. Last evaluated: 2019-08-15. Review status: no assertion criteria provided. Collection method: clinical testing. Allele origin: germline. Not counted in ClinVar's aggregate classification.
Comment: This variant is classified as likely benign based on ACMG/AMP sequence variant interpretation guidelines (Richards et al. 2015 PMID: 25741868, with internal and published modifications).